The following is an entry in ClinVar:

ClinVar aggregate classification (germline): Uncertain significance (1 of 4 stars; one submission).

Allele frequency attached by ClinVar (database versions not stated): gnomAD exomes below 0.00001; TOPMed below 0.00001.
gnomAD v4.1: 5 of 1,613,858 alleles (0.00031%); highest among the groups gnomAD compares: Non-Finnish European, 0.00025%; no homozygotes.

Submission:

CeGaT Center for Human Genetics Tuebingen
Classification: Uncertain significance. Last evaluated: 2026-03-01. Review status: criteria provided, single submitter. Criteria: CeGaT Center For Human Genetics Tuebingen Variant Classification Criteria Version 2. Collection method: clinical testing. Allele origin: germline. Affected: yes. Observed: 1 variant allele.
Comment: SYNE1: PM2

NM_182961.4(SYNE1):c.2107G>A (p.Ala703Thr)

Gene: SYNE1 (spectrin repeat containing nuclear envelope protein 1; minus strand). Cytogenetic location: 6q25.2.
Variant type: single nucleotide variant.
Coding change: c.2107G>A on transcript NM_182961.4 (MANE Select); coding-DNA position 2107, G replaced by A.
Protein change: p.Ala703Thr; replaces alanine 703 with threonine.
Molecular consequence: missense variant.
Genome position (GRCh38, 1-based): chr6:152,462,881, C>T on the plus strand (G>A on the coding strand, the complement: SYNE1 is on the minus strand). VCF-style: chr6-152462881-C-T. GRCh37 (hg19) VCF-style: chr6-152784016-C-T.
Other names: c.2128G>A, p.Ala710Thr (NM_033071.5); short protein forms A703T, A710T.
Identifiers: ClinVar variation 1711647 (VCV001711647.30), dbSNP rs2098742504, ClinGen allele CA366123325.